The following is an entry in ClinVar:

NM_152416.4(NDUFAF6):c.92C>G (p.Ala31Gly)

Genes: NDUFAF6 (NADH:ubiquinone oxidoreductase complex assembly factor 6; plus strand), LOC113788297 (Sharpr-MPRA regulatory region 2014; plus strand). Cytogenetic location: 8q22.1.
Variant type: single nucleotide variant.
Coding change: c.92C>G on transcript NM_152416.4 (MANE Select); coding-DNA position 92, C replaced by G.
Protein change: p.Ala31Gly; replaces alanine 31 with glycine.
Molecular consequence: missense variant. On other transcripts: 5 prime UTR variant (12), non-coding transcript variant (6), intron variant (7).
Genome position (GRCh38, 1-based): chr8:95,025,100, C>G. VCF-style: chr8-95025100-C-G. GRCh37 (hg19) VCF-style: chr8-96037328-C-G.
Other names: c.-189C>G (NM_001330582.2, NM_001354521.2); c.-142C>G (NM_001354517.2); c.-361C>G (NM_001354518.2); c.-357C>G (NM_001354519.2); c.-706C>G (NM_001354527.2); c.-677C>G (NM_001354528.2); c.-489C>G (NM_001354529.2); c.-591C>G (NM_001354530.2); and 9 more; short protein forms A31G.
Identifiers: ClinVar variation 1034316 (VCV001034316.7), dbSNP rs897029989, ClinGen allele CA371742626.
Genomic context (GRCh38, chr8:95,025,100, plus strand): 5'-GGCCGTTGCGGCTTGGCATCCCCGGCCTGTGCTGCCGCCGGCCGCCTCTGGGTCTGTACG[C>G]GCGCATGCGGCGGCTGCCCGGGCCGGAGGTGTCTGGGCGGAGCGTGGCTGCGGCCAGCGG-3'
Protein context (NP_689629.2, residues 21-41): CCRRPPLGLY[Ala31Gly]RMRRLPGPEV

ClinVar aggregate classification (germline): Uncertain significance. Review status: criteria provided, multiple submitters, no conflicts (2 of 4 stars). 3 submissions from 3 submitters: Uncertain significance (3). Last evaluated 2025-12-08.

Conditions:
Inborn genetic diseases. Identifiers: MedGen C0950123, MeSH D030342.
Leigh syndrome (NULS). Also called: Subacute necrotizing encephalopathy; Necrotizing encephalopathy infantile subacute of Leigh; Leigh's syndrome; Leigh Disease; LEIGH SYNDROME, NUCLEAR; Leigh's necrotizing encephalopathy. Identifiers: Orphanet 506, MedGen C2931891, MONDO:0009723, OMIM 256000.

Allele frequency attached by ClinVar (database versions not stated): gnomAD 0.00001; TOPMed 0.00002.
gnomAD v4.1: 1 of 1,484,006 alleles (0.000067%); highest among the groups gnomAD compares: Admixed American, 0.0024%; no homozygotes.

Submissions (3):

Ambry Genetics
Classification: Uncertain significance for Inborn genetic diseases. Last evaluated: 2025-12-08. Review status: criteria provided, single submitter. Criteria: Ambry Variant Classification Scheme 2023. Collection method: clinical testing. Allele origin: germline.

Labcorp Genetics (formerly Invitae), Labcorp
Classification: Uncertain significance. Last evaluated: 2023-01-04. Review status: criteria provided, single submitter. Criteria: Invitae Variant Classification Sherloc (09022015). Collection method: clinical testing. Allele origin: germline.
Comment: In summary, the available evidence is currently insufficient to determine the role of this variant in disease. Therefore, it has been classified as a Variant of Uncertain Significance. Algorithms developed to predict the effect of missense changes on protein structure and function (SIFT, PolyPhen-2, Align-GVGD) all suggest that this variant is likely to be tolerated. ClinVar contains an entry for this variant (Variation ID: 1034316). This variant has not been reported in the literature in individuals affected with NDUFAF6-related conditions. This variant is not present in population databases (gnomAD no frequency). This sequence change replaces alanine, which is neutral and non-polar, with glycine, which is neutral and non-polar, at codon 31 of the NDUFAF6 protein (p.Ala31Gly).

Baylor Genetics
Classification: Uncertain significance for Leigh syndrome. Last evaluated: 2018-07-16. Review status: criteria provided, single submitter. Criteria: ACMG Guidelines, 2015. Collection method: clinical testing. Allele origin: unknown. Affected: yes.
Comment: This variant was determined to be of uncertain significance according to ACMG Guidelines, 2015 [PMID:25741868].